The following is an entry in ClinVar:

ClinVar aggregate classification (germline): Uncertain significance. Review status: criteria provided, multiple submitters, no conflicts (2 of 4 stars). 2 submissions from 2 submitters: Uncertain significance (2). Last evaluated 2025-11-05.

Conditions:
Breast cancer, susceptibility to. Identifiers: MedGen C3469522. Disease mechanism: gain of function.
Pancreatic cancer, susceptibility to, 3. Identifiers: Orphanet 1333, MedGen C3150547, MONDO:0013236, OMIM 613348.
Hereditary cancer-predisposing syndrome. Also called: Neoplastic Syndromes, Hereditary; Hereditary Cancer Syndrome; Tumor predisposition; Hereditary neoplastic syndrome. Identifiers: Orphanet 140162, MedGen C0027672, MeSH D009386, MONDO:0015356.

Submissions (2):

Ambry Genetics
Classification: Uncertain significance for Hereditary cancer-predisposing syndrome. Last evaluated: 2025-11-05. Review status: criteria provided, single submitter. Criteria: Ambry Variant Classification Scheme 2023. Collection method: clinical testing. Allele origin: germline.
Comment: The p.L433F variant (also known as c.1299G>T), located in coding exon 4 of the PALB2 gene, results from a G to T substitution at nucleotide position 1299. The leucine at codon 433 is replaced by phenylalanine, an amino acid with highly similar properties. This amino acid position is conserved. In addition, this alteration is predicted to be tolerated by in silico analysis. Based on the available evidence, the clinical significance of this variant remains unclear.

Human Genome Sequencing Center Clinical Lab, Baylor College of Medicine
Classification: Uncertain significance for Susceptibility to breast cancer; Pancreatic cancer susceptibility 3. Review status: criteria provided, single submitter. Criteria: ACMG Guidelines, 2015. Collection method: clinical testing. Allele origin: germline.

NM_024675.4(PALB2):c.1299G>T (p.Leu433Phe)

Gene: PALB2 (partner and localizer of BRCA2; minus strand). Cytogenetic location: 16p12.2.
Variant type: single nucleotide variant.
Coding change: c.1299G>T on transcript NM_024675.4 (MANE Select); coding-DNA position 1299, G replaced by T.
Protein change: p.Leu433Phe; replaces leucine 433 with phenylalanine.
Molecular consequence: missense variant.
Genome position (GRCh38, 1-based): chr16:23,635,247, C>A on the plus strand (G>T on the coding strand, the complement: PALB2 is on the minus strand). VCF-style: chr16-23635247-C-A. GRCh37 (hg19) VCF-style: chr16-23646568-C-A.
Other names: short protein forms L433F.
Identifiers: ClinVar variation 979137 (VCV000979137.2), dbSNP rs1966978476, ClinGen allele CA395132459.
Genomic context (GRCh38, chr16:23,635,247, plus strand): 5'-AAGGTTTAAATTTTTACTTGCATCCTTATTTTTATTTTTAAACCCTTTTTTCTTGACATC[C>A]AAATGACTCTGAATGACAGCCTCCACGGCTACTTTCCTCTGGCAATTGGACATGCTTCGT-3'
Protein context (NP_078951.2, residues 423-443): VAVEAVIQSH[Leu433Phe]DVKKKGFKNK